The following is an entry in ClinVar:

NM_004448.4(ERBB2):c.343G>A (p.Ala115Thr)

Gene: ERBB2 (erb-b2 receptor tyrosine kinase 2; plus strand). Cytogenetic location: 17q12.
Variant type: single nucleotide variant.
Coding change: c.343G>A on transcript NM_004448.4 (MANE Select); coding-DNA position 343, G replaced by A.
Protein change: p.Ala115Thr; replaces alanine 115 with threonine.
Molecular consequence: missense variant. On other transcripts: non-coding transcript variant (1), intron variant (1).
Genome position (GRCh38, 1-based): chr17:39,708,438, G>A. VCF-style: chr17-39708438-G-A. GRCh37 (hg19) VCF-style: chr17-37864691-G-A.
Other names: c.253G>A, p.Ala85Thr (NM_001005862.3, NM_001289938.2, NM_001382782.1 and 1 more transcripts); c.298G>A, p.Ala100Thr (NM_001289936.2); c.343G>A, p.Ala115Thr (NM_001289937.2, NM_001382784.1, NM_001382785.1 and 19 more transcripts); c.334G>A, p.Ala112Thr (NM_001382791.1); c.74-3490G>A (NM_001382804.1); short protein forms A100T, A112T, A115T, A85T.
Identifiers: ClinVar variation 1055517 (VCV001055517.9), dbSNP rs1272695341, ClinGen allele CA399272732.

ClinVar aggregate classification (germline): Uncertain significance (1 of 4 stars; one submission).

Allele frequency attached by ClinVar (database versions not stated): gnomAD exomes below 0.00001 and 0.00001.
gnomAD v4.1: 13 of 1,614,208 alleles (0.00081%); highest among the groups gnomAD compares: Non-Finnish European, 0.0011%; no homozygotes.

Submission:

Labcorp Genetics (formerly Invitae), Labcorp
Classification: Uncertain significance. Last evaluated: 2024-06-10. Review status: criteria provided, single submitter. Criteria: Invitae Variant Classification Sherloc (09022015). Collection method: clinical testing. Allele origin: germline.
Comment: This sequence change replaces alanine, which is neutral and non-polar, with threonine, which is neutral and polar, at codon 115 of the ERBB2 protein (p.Ala115Thr). This variant is present in population databases (no rsID available, gnomAD 0.0009%). This variant has not been reported in the literature in individuals affected with ERBB2-related conditions. ClinVar contains an entry for this variant (Variation ID: 1055517). Advanced modeling of protein sequence and biophysical properties (such as structural, functional, and spatial information, amino acid conservation, physicochemical variation, residue mobility, and thermodynamic stability) performed at Invitae indicates that this missense variant is not expected to disrupt ERBB2 protein function with a negative predictive value of 80%. In summary, the available evidence is currently insufficient to determine the role of this variant in disease. Therefore, it has been classified as a Variant of Uncertain Significance.